The following is an entry in ClinVar:

ClinVar aggregate classification (germline): Uncertain significance (1 of 4 stars; one submission).

Conditions:
Hypodontia. Also called: Partial congenital absence of teeth; TOOTH AGENESIS, FAMILIAL; Tooth agenesis, selective. Identifiers: Orphanet 99798, MedGen C0020608, MONDO:0005486, HP:0000668. Disease mechanism: loss of function.

gnomAD v4.1: 5 of 1,614,092 alleles (0.00031%); highest among the groups gnomAD compares: Non-Finnish European, 0.00034%; no homozygotes.

Submission:

Labcorp Genetics (formerly Invitae), Labcorp
Classification: Uncertain significance for Hypodontia. Last evaluated: 2024-05-23. Review status: criteria provided, single submitter. Criteria: Invitae Variant Classification Sherloc (09022015). Collection method: clinical testing. Allele origin: germline.
Comment: This sequence change replaces proline, which is neutral and non-polar, with glutamine, which is neutral and polar, at codon 259 of the PAX9 protein (p.Pro259Gln). This variant is not present in population databases (gnomAD no frequency). This variant has not been reported in the literature in individuals affected with PAX9-related conditions. Advanced modeling of protein sequence and biophysical properties (such as structural, functional, and spatial information, amino acid conservation, physicochemical variation, residue mobility, and thermodynamic stability) performed at Invitae indicates that this missense variant is not expected to disrupt PAX9 protein function with a negative predictive value of 80%. In summary, the available evidence is currently insufficient to determine the role of this variant in disease. Therefore, it has been classified as a Variant of Uncertain Significance.

NM_001372076.1(PAX9):c.776C>A (p.Pro259Gln)

Gene: PAX9 (paired box 9; plus strand). Cytogenetic location: 14q13.3.
Variant type: single nucleotide variant.
Coding change: c.776C>A on transcript NM_001372076.1 (MANE Select); coding-DNA position 776, C replaced by A.
Protein change: p.Pro259Gln; replaces proline 259 with glutamine.
Molecular consequence: missense variant.
Genome position (GRCh38, 1-based): chr14:36,676,202, C>A. VCF-style: chr14-36676202-C-A. GRCh37 (hg19) VCF-style: chr14-37145407-C-A.
Other names: c.776C>A, p.Pro259Gln (NM_006194.4); short protein forms P259Q.
Identifiers: ClinVar variation 3613449 (VCV003613449.2).